The following is an entry in ClinVar:

NM_020964.3(EPG5):c.1612C>T (p.Arg538Trp)

Gene: EPG5 (ectopic P-granules 5 autophagy tethering factor; minus strand). Cytogenetic location: 18q21.1.
Variant type: single nucleotide variant.
Coding change: c.1612C>T on transcript NM_020964.3 (MANE Select); coding-DNA position 1612, C replaced by T.
Protein change: p.Arg538Trp; replaces arginine 538 with tryptophan.
Molecular consequence: missense variant.
Genome position (GRCh38, 1-based): chr18:45,946,728, G>A on the plus strand (C>T on the coding strand, the complement: EPG5 is on the minus strand). VCF-style: chr18-45946728-G-A. GRCh37 (hg19) VCF-style: chr18-43526694-G-A.
Other names: c.1612C>T (NM_020964.2); short protein forms R538W.
Identifiers: ClinVar variation 1511509 (VCV001511509.5), dbSNP rs372785168, ClinGen allele CA8949655.

ClinVar aggregate classification (germline): Uncertain significance (1 of 4 stars; one submission).

Conditions:
Vici syndrome (VICIS). Identifiers: Orphanet 1493, MedGen C1855772, MONDO:0009452, OMIM 242840.

Allele frequency attached by ClinVar (database versions not stated): gnomAD 0.00002; TOPMed 0.00003; ExAC 0.00006; gnomAD exomes 0.00006; ESP Exome Variant Server 0.00008.

Submission:

Labcorp Genetics (formerly Invitae), Labcorp
Classification: Uncertain significance for Vici syndrome. Last evaluated: 2022-02-03. Review status: criteria provided, single submitter. Criteria: Invitae Variant Classification Sherloc (09022015). Collection method: clinical testing. Allele origin: germline.
Comment: This sequence change replaces arginine, which is basic and polar, with tryptophan, which is neutral and slightly polar, at codon 538 of the EPG5 protein (p.Arg538Trp). This variant is present in population databases (rs372785168, gnomAD 0.06%). This variant has not been reported in the literature in individuals affected with EPG5-related conditions. Algorithms developed to predict the effect of missense changes on protein structure and function output the following: SIFT: "Tolerated"; PolyPhen-2: "Benign"; Align-GVGD: "Class C0". The tryptophan amino acid residue is found in multiple mammalian species, which suggests that this missense change does not adversely affect protein function. In summary, the available evidence is currently insufficient to determine the role of this variant in disease. Therefore, it has been classified as a Variant of Uncertain Significance.